The following is an entry in ClinVar:

NM_001386795.1(DTNA):c.1784C>T (p.Thr595Ile)

Gene: DTNA (dystrobrevin alpha; plus strand). Cytogenetic location: 18q12.1.
Variant type: single nucleotide variant.
Coding change: c.1784C>T on transcript NM_001386795.1 (MANE Select); coding-DNA position 1784, C replaced by T.
Protein change: p.Thr595Ile; replaces threonine 595 with isoleucine.
Molecular consequence: missense variant.
Genome position (GRCh38, 1-based): chr18:34,875,279, C>T. VCF-style: chr18-34875279-C-T. GRCh37 (hg19) VCF-style: chr18-32455243-C-T.
Other names: c.1523C>T, p.Thr508Ile (NM_001198938.2, NM_001198940.2, NM_001386753.1 and 5 more transcripts); c.1544C>T, p.Thr515Ile (NM_001198939.2); c.830C>T, p.Thr277Ile (NM_001198942.1); c.773C>T, p.Thr258Ile (NM_001198943.1); c.659C>T, p.Thr220Ile (NM_001198944.1); c.1613C>T, p.Thr538Ile (NM_001386754.1, NM_001386755.1, NM_001386756.1 and 3 more transcripts); c.1520C>T, p.Thr507Ile (NM_001386768.1, NM_001386769.1); c.1784C>T, p.Thr595Ile (NM_001386788.1); and 5 more; short protein forms T216I, T220I, T508I, T510I, T511I, T537I, T258I, T515I.
Identifiers: ClinVar variation 2956764 (VCV002956764.3), dbSNP rs2522623258, ClinGen allele CA402177779.

ClinVar aggregate classification (germline): Uncertain significance (1 of 4 stars; one submission).

Conditions:
Left ventricular noncompaction 1 (LVNC1). Also called: LEFT VENTRICULAR NONCOMPACTION 1 WITH OR WITHOUT CONGENITAL HEART DEFECTS. Identifiers: Orphanet 54260, MedGen C1858725, MONDO:0011403, OMIM 604169.

Allele frequency attached by ClinVar (database versions not stated): gnomAD exomes below 0.00001.
gnomAD v4.1: 5 of 1,614,224 alleles (0.00031%); highest among the groups gnomAD compares: Non-Finnish European, 0.00034%; no homozygotes.

Submission:

Labcorp Genetics (formerly Invitae), Labcorp
Classification: Uncertain significance for Left ventricular noncompaction 1. Last evaluated: 2025-07-06. Review status: criteria provided, single submitter. Criteria: Invitae Variant Classification Sherloc (09022015). Collection method: clinical testing. Allele origin: germline.
Comment: This sequence change replaces threonine, which is neutral and polar, with isoleucine, which is neutral and non-polar, at codon 568 of the DTNA protein (p.Thr568Ile). This variant is not present in population databases (gnomAD no frequency). This variant has not been reported in the literature in individuals affected with DTNA-related conditions. ClinVar contains an entry for this variant (Variation ID: 2956764). An algorithm developed to predict the effect of missense changes on protein structure and function (PolyPhen-2) suggests that this variant is likely to be tolerated. In summary, the available evidence is currently insufficient to determine the role of this variant in disease. Therefore, it has been classified as a Variant of Uncertain Significance.